The following is an entry in ClinVar:

NM_139076.3(ABRAXAS1):c.706A>C (p.Ser236Arg)

Gene: ABRAXAS1 (abraxas 1, BRCA1 A complex subunit; minus strand). Cytogenetic location: 4q21.23.
Variant type: single nucleotide variant.
Coding change: c.706A>C on transcript NM_139076.3 (MANE Select); coding-DNA position 706, A replaced by C.
Protein change: p.Ser236Arg; replaces serine 236 with arginine.
Molecular consequence: missense variant.
Genome position (GRCh38, 1-based): chr4:83,463,584, T>G on the plus strand (A>C on the coding strand, the complement: ABRAXAS1 is on the minus strand). VCF-style: chr4-83463584-T-G. GRCh37 (hg19) VCF-style: chr4-84384737-T-G.
Other names: c.379A>C, p.Ser127Arg (NM_001345962.2); short protein forms S127R, S236R.
Identifiers: ClinVar variation 4864328 (VCV004864328.1).
Genomic context (GRCh38, chr4:83,463,584, plus strand): 5'-TCTCAATTTCTCGTTTTAATCTGTTTACATCCTTTACTAGTTTATCTACTGCTTGTTCAC[T>G]GTCTTCCACTTTTTTGCATATACTCTGCAAAATAAAGTAATTTAAGGGCATAGGTAATAT-3'
Protein context (NP_620775.2, residues 226-246): LKSICKKVED[Ser236Arg]EQAVDKLVKD

ClinVar aggregate classification (germline): Uncertain significance (1 of 4 stars; one submission).

Submission:

Ambry Genetics
Classification: Uncertain significance. Last evaluated: 2026-04-12. Review status: criteria provided, single submitter. Criteria: Ambry Variant Classification Scheme 2023. Collection method: clinical testing. Allele origin: germline.
Comment: The p.S236R variant (also known as c.706A>C), located in coding exon 8 of the FAM175A gene, results from an A to C substitution at nucleotide position 706. The serine at codon 236 is replaced by arginine, an amino acid with dissimilar properties. This amino acid position is conserved. In addition, the in silico prediction for this alteration is inconclusive. Based on the available evidence, the clinical significance of this variant remains unclear.